The following is an entry in ClinVar:

NM_001080.3(ALDH5A1):c.1562T>C (p.Ile521Thr)

Gene: ALDH5A1 (aldehyde dehydrogenase 5 family member A1; plus strand). Cytogenetic location: 6p22.3.
Variant type: single nucleotide variant.
Coding change: c.1562T>C on transcript NM_001080.3 (MANE Select); coding-DNA position 1562, T replaced by C.
Protein change: p.Ile521Thr; replaces isoleucine 521 with threonine.
Molecular consequence: missense variant.
Genome position (GRCh38, 1-based): chr6:24,533,666, T>C. VCF-style: chr6-24533666-T-C. GRCh37 (hg19) VCF-style: chr6-24533894-T-C.
Other names: c.1418T>C, p.Ile473Thr (NM_001368954.1); c.1601T>C, p.Ile534Thr (NM_170740.1); short protein forms I473T, I521T, I534T.
Identifiers: ClinVar variation 1312129 (VCV001312129.9), dbSNP rs1475837931, ClinGen allele CA362967823.

ClinVar aggregate classification (germline): Uncertain significance. Review status: criteria provided, multiple submitters, no conflicts (2 of 4 stars). 2 submissions from 2 submitters: Uncertain significance (2). Last evaluated 2024-02-05.

Conditions:
Succinate-semialdehyde dehydrogenase deficiency (SSADHD). Also called: GABA METABOLIC DEFECT; 4-HYDROXYBUTYRIC ACIDURIA; SSADH DEFICIENCY; Succinic Semialdehyde Dehydrogenase Deficiency. Identifiers: Orphanet 22, MedGen C0268631, MONDO:0010083, OMIM 271980.

Allele frequency attached by ClinVar (database versions not stated): gnomAD exomes below 0.00001 and 0.00001; TOPMed 0.00001.
gnomAD v4.1: 3 of 1,614,150 alleles (0.00019%); highest among the groups gnomAD compares: East Asian, 0.0045%; no homozygotes.

Submissions (2):

Labcorp Genetics (formerly Invitae), Labcorp
Classification: Uncertain significance for Succinate-semialdehyde dehydrogenase deficiency. Last evaluated: 2024-02-05. Review status: criteria provided, single submitter. Criteria: Invitae Variant Classification Sherloc (09022015). Collection method: clinical testing. Allele origin: germline.
Comment: This sequence change replaces isoleucine, which is neutral and non-polar, with threonine, which is neutral and polar, at codon 521 of the ALDH5A1 protein (p.Ile521Thr). This variant is present in population databases (no rsID available, gnomAD 0.006%). This variant has not been reported in the literature in individuals affected with ALDH5A1-related conditions. ClinVar contains an entry for this variant (Variation ID: 1312129). Advanced modeling of protein sequence and biophysical properties (such as structural, functional, and spatial information, amino acid conservation, physicochemical variation, residue mobility, and thermodynamic stability) performed at Invitae indicates that this missense variant is expected to disrupt ALDH5A1 protein function with a positive predictive value of 80%. In summary, the available evidence is currently insufficient to determine the role of this variant in disease. Therefore, it has been classified as a Variant of Uncertain Significance.

GeneDx
Classification: Uncertain significance. Last evaluated: 2019-09-10. Review status: criteria provided, single submitter. Criteria: GeneDx Variant Classification Process June 2021. Collection method: clinical testing. Allele origin: germline. Affected: yes.
Comment: Not observed at a significant frequency in large population cohorts (Lek et al., 2016); In silico analysis, which includes protein predictors and evolutionary conservation, supports a deleterious effect; Has not been previously published as pathogenic or benign to our knowledge